The following is an entry in ClinVar:

ClinVar aggregate classification (germline): Uncertain significance. Review status: criteria provided, multiple submitters, no conflicts (2 of 4 stars). 7 submissions from 7 submitters: Uncertain significance (7). Last evaluated 2025-11-24.

Conditions:
Hereditary cancer-predisposing syndrome. Also called: Tumor predisposition; Hereditary Cancer Syndrome; Hereditary neoplastic syndrome; Neoplastic Syndromes, Hereditary. Identifiers: Orphanet 140162, MedGen C0027672, MeSH D009386, MONDO:0015356.
Familial cancer of breast. Also called: BREAST CANCER, FAMILIAL; Hereditary breast cancer; hereditary breast carcinoma. Identifiers: Orphanet 227535, MedGen C0346153, MONDO:0016419, OMIM 114480. Disease mechanism: loss of function.

Allele frequency attached by ClinVar (database versions not stated): gnomAD 0.00001; TOPMed 0.00001; ExAC 0.00002; gnomAD exomes 0.00002; ESP Exome Variant Server 0.00008.
gnomAD v4.1: 34 of 1,605,822 alleles (0.0021%); highest among the groups gnomAD compares: Non-Finnish European, 0.0027%; no homozygotes.

Submissions (7):

Labcorp Genetics (formerly Invitae), Labcorp
Classification: Uncertain significance for Familial cancer of breast. Last evaluated: 2025-11-24. Review status: criteria provided, single submitter. Criteria: Invitae Variant Classification Sherloc (09022015). Collection method: clinical testing. Allele origin: germline.
Comment: This sequence change replaces lysine, which is basic and polar, with glutamic acid, which is acidic and polar, at codon 196 of the BARD1 protein (p.Lys196Glu). This variant is present in population databases (rs376259263, gnomAD 0.003%). This missense change has been observed in individual(s) with colorectal cancer (PMID: 32283892). ClinVar contains an entry for this variant (Variation ID: 182041). An algorithm developed to predict the effect of missense changes on protein structure and function (PolyPhen-2) suggests that this variant is likely to be disruptive. In summary, the available evidence is currently insufficient to determine the role of this variant in disease. Therefore, it has been classified as a Variant of Uncertain Significance.

Color Diagnostics, LLC DBA Color Health
Classification: Uncertain significance for Hereditary cancer-predisposing syndrome. Last evaluated: 2025-02-25. Review status: criteria provided, single submitter. Criteria: ACMG Guidelines, 2015. Collection method: clinical testing. Allele origin: germline.
Comment: This missense variant replaces lysine with glutamic acid at codon 196 of the BARD1 protein. Computational prediction suggests that this variant may not impact protein structure and function. To our knowledge, functional studies have not been reported for this variant. This variant has been reported in an individual affected with colorectal cancer (PMID: 32283892). This variant has been identified in 4/243358 chromosomes in the general population by the Genome Aggregation Database (gnomAD). The available evidence is insufficient to determine the role of this variant in disease conclusively. Therefore, this variant is classified as a Variant of Uncertain Significance.

Ambry Genetics
Classification: Uncertain significance for Hereditary cancer-predisposing syndrome. Last evaluated: 2025-01-15. Review status: criteria provided, single submitter. Criteria: Ambry Variant Classification Scheme 2023. Collection method: clinical testing. Allele origin: germline.
Comment: The p.K196E variant (also known as c.586A>G), located in coding exon 4 of the BARD1 gene, results from an A to G substitution at nucleotide position 586. The lysine at codon 196 is replaced by glutamic acid, an amino acid with similar properties. This amino acid position is highly conserved in available vertebrate species. In addition, this alteration is predicted to be tolerated by in silico analysis. Since supporting evidence is limited at this time, the clinical significance of this alteration remains unclear.

Baylor Genetics
Classification: Uncertain significance for Familial cancer of breast. Last evaluated: 2024-02-26. Review status: criteria provided, single submitter. Criteria: ACMG Guidelines, 2015. Collection method: clinical testing. Allele origin: unknown.

GeneDx
Classification: Uncertain significance. Last evaluated: 2023-08-28. Review status: criteria provided, single submitter. Criteria: GeneDx Variant Classification Process June 2021. Collection method: clinical testing. Allele origin: germline. Affected: yes.
Comment: Not observed at significant frequency in large population cohorts (gnomAD); In silico analysis supports that this missense variant does not alter protein structure/function; Observed in an individual with colorectal cancer (Erdem and Bahsi, 2020); This variant is associated with the following publications: (PMID: 25980754, 30188893, 32283892)

Women's Health and Genetics/Laboratory Corporation of America, LabCorp
Classification: Uncertain significance. Last evaluated: 2021-02-12. Review status: criteria provided, single submitter. Criteria: LabCorp Variant Classification Summary - May 2015. Collection method: clinical testing. Allele origin: germline.
Comment: Variant summary: BARD1 c.586A>G (p.Lys196Glu) results in a conservative amino acid change in the encoded protein sequence. Three of five in-silico tools predict a damaging effect of the variant on protein function. The variant allele was found at a frequency of 1.6e-05 in 243358 control chromosomes (gnomAD). The available data on variant occurrences in the general population are insufficient to allow any conclusion about variant significance. c.586A>G has been reported in the literature in an individual affected with colorectal cancer (Erdem_2020). This report does not provide unequivocal conclusions about association of the variant with Hereditary Breast and Ovarian Cancer Syndrome. To our knowledge, no experimental evidence demonstrating an impact on protein function has been reported. Five clinical diagnostic laboratories have submitted clinical-significance assessments for this variant to ClinVar after 2014 without evidence for independent evaluation. All laboratories classified the variant as uncertain significance. Based on the evidence outlined above, the variant was classified as uncertain significance.

PreventionGenetics, part of Exact Sciences
Classification: Uncertain significance. Last evaluated: 2018-01-04. Review status: criteria provided, single submitter. Criteria: ACMG Guidelines, 2015. Collection method: clinical testing. Allele origin: germline.

Literature cited by the submitters: PubMed 32283892 (cited by 3 submitters).

NM_000465.4(BARD1):c.586A>G (p.Lys196Glu)

Gene: BARD1 (BRCA1 associated RING domain 1; minus strand). Cytogenetic location: 2q35.
Variant type: single nucleotide variant.
Coding change: c.586A>G on transcript NM_000465.4 (MANE Select); coding-DNA position 586, A replaced by G.
Protein change: p.Lys196Glu; replaces lysine 196 with glutamic acid.
Molecular consequence: missense variant. On other transcripts: non-coding transcript variant (2), intron variant (3).
Genome position (GRCh38, 1-based): chr2:214,781,288, T>C on the plus strand (A>G on the coding strand, the complement: BARD1 is on the minus strand). VCF-style: chr2-214781288-T-C. GRCh37 (hg19) VCF-style: chr2-215646012-T-C.
Other names: p.K196E:AAA>GAA; c.529A>G, p.Lys177Glu (NM_001282543.2); c.158+28124A>G (NM_001282548.2); c.215+15773A>G (NM_001282545.2); c.364+11009A>G (NM_001282549.2); short protein forms K196E, K177E.
Identifiers: ClinVar variation 182041 (VCV000182041.28), dbSNP rs376259263, ClinGen allele CA298454.
Genomic context (GRCh38, chr2:214,781,288, plus strand): 5'-GGTTGATTTCAGCTAAAGTTTTCTTTTTTTGCTTTTTTCCAGATCTTGCAGAAGCCTTTT[T>C]AGCCCTCTCAGAAACATCTGCAGGAGGACTTGGGGAAACAAATTCATATGAGTCTTGCTG-3'
Protein context (NP_000456.2, residues 186-206): SPPADVSERA[Lys196Glu]KASARSGKKQ